The following is an entry in ClinVar:

NM_000535.7(PMS2):c.1048del (p.Leu350fs)

Gene: PMS2 (PMS1 homolog 2, mismatch repair system component; minus strand). Cytogenetic location: 7p22.1.
Variant type: Deletion.
Coding change: c.1048del on transcript NM_000535.7 (MANE Select); coding-DNA position 1048, one base deleted (C; older notation c.1048delC).
Protein change: p.Leu350fs; shifts the reading frame from leucine 350.
Molecular consequence: frameshift variant. On other transcripts: non-coding transcript variant (1), intron variant (10).
Genome position (GRCh38, 1-based): chr7:5,989,896, G deleted on the plus strand (C on the coding strand, the reverse complement: PMS2 is on the minus strand). VCF-style (leftmost placement, unchanged base first): chr7-5989895-AG-A. GRCh37 (hg19) VCF-style: chr7-6029526-AG-A.
Other names: c.643delC, p.Leu215Phefs (NM_001018040.1); c.643del, p.Leu215fs (NM_001322003.2, NM_001322004.2, NM_001322005.2 and 16 more transcripts); c.730del, p.Leu244fs (NM_001322007.2, NM_001322008.2, NM_001406876.1 and 2 more transcripts); c.115del, p.Leu39fs (NM_001322011.2, NM_001322012.2); c.475del, p.Leu159fs (NM_001322013.2, NM_001406909.1); c.1048del, p.Leu350fs (NM_001322014.2, NM_001406871.1, NM_001406872.1); c.739del, p.Leu247fs (NM_001322015.2, NM_001406875.1, NM_001406877.1 and 5 more transcripts); c.1234del, p.Leu412fs (NM_001406866.1); and 15 more; short protein forms L159fs, L179fs, L215fs, L228fs, L238fs, L244fs, L247fs, L284fs.
Identifiers: ClinVar variation 2674239 (VCV002674239.7), dbSNP rs2535933115, ClinGen allele CA2695198458.
Genomic context (GRCh38, chr7:5,989,895, plus strand): 5'-AGCTTGTTGACATCACTATCAAACATTCCTATCAAAGAGGTCTTTAAAACTGCCAACAAA[AG>A]CTTTTCCTCTTGTAGCAAAATTTGCCTTTTATCTGGAGTAACATTGATATCAACGCATTC-3'

ClinVar aggregate classification (germline): Pathogenic. Review status: criteria provided, multiple submitters, no conflicts (2 of 4 stars). 4 submissions from 4 submitters: Pathogenic (4). Last evaluated 2024-07-21.

Conditions:
Hereditary nonpolyposis colon cancer (HNPCC). Also called: Hereditary nonpolyposis colorectal cancer; Familial nonpolyposis colon cancer; Hereditary Nonpolyposis Colorectal Cancer Syndrome. Identifiers: Orphanet 443909, MedGen C1333990, MONDO:0018630. Disease mechanism: loss of function.
Hereditary nonpolyposis colorectal neoplasms. Identifiers: MedGen C0009405, MeSH D003123.
Hereditary cancer-predisposing syndrome. Also called: Tumor predisposition; Hereditary neoplastic syndrome; Neoplastic Syndromes, Hereditary; Hereditary Cancer Syndrome. Identifiers: Orphanet 140162, MedGen C0027672, MeSH D009386, MONDO:0015356.
Lynch syndrome 4 (LYNCH4). Also called: Hereditary non-polyposis colorectal cancer, type 4; Colorectal cancer, hereditary nonpolyposis, type 4. Identifiers: Orphanet 144, MedGen C1838333, MONDO:0013699, OMIM 614337. Disease mechanism: loss of function.

Submissions (4):

Labcorp Genetics (formerly Invitae), Labcorp
Classification: Pathogenic for Hereditary nonpolyposis colorectal neoplasms. Last evaluated: 2024-07-21. Review status: criteria provided, single submitter. Criteria: Invitae Variant Classification Sherloc (09022015). Collection method: clinical testing. Allele origin: germline.
Comment: This sequence change creates a premature translational stop signal (p.Leu350Phefs*6) in the PMS2 gene. It is expected to result in an absent or disrupted protein product. Loss-of-function variants in PMS2 are known to be pathogenic (PMID: 21376568, 24362816). This variant is not present in population databases (gnomAD no frequency). This variant has not been reported in the literature in individuals affected with PMS2-related conditions. For these reasons, this variant has been classified as Pathogenic.

Women's Health and Genetics/Laboratory Corporation of America, LabCorp
Classification: Pathogenic for Hereditary nonpolyposis colon cancer. Last evaluated: 2024-03-20. Review status: criteria provided, single submitter. Criteria: LabCorp Variant Classification Summary - May 2015. Collection method: clinical testing. Allele origin: germline.
Comment: Variant summary: PMS2 c.1048delC (p.Leu350PhefsX6) results in a premature termination codon, predicted to cause absence of the protein due to nonsense mediated decay, which is a commonly known mechanism for disease. The variant was absent in 251168 control chromosomes. To our knowledge, no occurrence of c.1048delC in individuals affected with Lynch Syndrome and no experimental evidence demonstrating its impact on protein function have been reported. ClinVar contains an entry for this variant (Variation ID: 2674239). Based on the evidence outlined above, the variant was classified as pathogenic.

Ambry Genetics
Classification: Pathogenic for Hereditary cancer-predisposing syndrome. Last evaluated: 2023-11-02. Review status: criteria provided, single submitter. Criteria: Ambry Variant Classification Scheme 2023. Collection method: clinical testing. Allele origin: germline.
Comment: The c.1048delC variant, located in coding exon 10 of the PMS2 gene, results from a deletion of one nucleotide at nucleotide position 1048, causing a translational frameshift with a predicted alternate stop codon (p.L350Ffs*6). This variant is considered to be rare based on population cohorts in the Genome Aggregation Database (gnomAD). This alteration is expected to result in loss of function by premature protein truncation or nonsense-mediated mRNA decay. As such, this alteration is interpreted as a disease-causing mutation.

Myriad Genetics, Inc.
Classification: Pathogenic for Lynch syndrome 4. Last evaluated: 2023-09-20. Review status: criteria provided, single submitter. Criteria: Myriad Autosomal Dominant, Autosomal Recessive and X-Linked Classification Criteria (2023). Collection method: clinical testing. Allele origin: unknown.
Comment: This variant is considered pathogenic. This variant creates a frameshift predicted to result in premature protein truncation.

Literature cited by the submitters: PubMed 21376568 (cited by Labcorp Genetics (formerly Invitae), Labcorp); PubMed 24362816 (cited by Labcorp Genetics (formerly Invitae), Labcorp).